The following is an entry in ClinVar:

NM_003098.3(SNTA1):c.566del (p.Ser189fs)

Gene: SNTA1 (syntrophin alpha 1; minus strand). Cytogenetic location: 20q11.21.
Variant type: Deletion.
Coding change: c.566del on transcript NM_003098.3 (MANE Select); coding-DNA position 566, one base deleted (C; older notation c.566delC).
Protein change: p.Ser189fs; shifts the reading frame from serine 189.
Molecular consequence: frameshift variant.
Genome position (GRCh38, 1-based): chr20:33,417,854, G deleted on the plus strand (C on the coding strand, the reverse complement: SNTA1 is on the minus strand). VCF-style (leftmost placement, unchanged base first): chr20-33417853-TG-T. GRCh37 (hg19) VCF-style: chr20-32005659-TG-T.
Other names: c.566del, p.Ser189fs (NM_001424413.1, NM_001424414.1); short protein forms S189fs.
Identifiers: ClinVar variation 4723986 (VCV004723986.1).

ClinVar aggregate classification (germline): Uncertain significance (1 of 4 stars; one submission).

Conditions:
Long QT syndrome (LQTS). Identifiers: MedGen C0023976, MeSH D008133, MONDO:0002442. Disease mechanism: loss of function. Inheritance: Various modes of inheritance.

Submission:

Labcorp Genetics (formerly Invitae), Labcorp
Classification: Uncertain significance for Long QT syndrome. Last evaluated: 2025-12-24. Review status: criteria provided, single submitter. Criteria: Invitae Variant Classification Sherloc (09022015). Collection method: clinical testing. Allele origin: germline.
Comment: This sequence change creates a premature translational stop signal (p.Ser189Tyrfs*29) in the SNTA1 gene. It is expected to result in an absent or disrupted protein product. However, the current clinical and genetic evidence is not sufficient to establish whether loss-of-function variants in SNTA1 cause disease. This variant is not present in population databases (gnomAD no frequency). This variant has not been reported in the literature in individuals affected with SNTA1-related conditions. In summary, the available evidence is currently insufficient to determine the role of this variant in disease. Therefore, it has been classified as a Variant of Uncertain Significance.